The following is an entry in ClinVar:

NM_000051.4(ATM):c.5477T>G (p.Leu1826Ter)

Gene: ATM (ATM serine/threonine kinase; plus strand). Cytogenetic location: 11q22.3.
Variant type: single nucleotide variant.
Coding change: c.5477T>G on transcript NM_000051.4 (MANE Select); coding-DNA position 5477, T replaced by G.
Protein change: p.Leu1826Ter; replaces leucine 1826 with a stop codon.
Molecular consequence: nonsense.
Genome position (GRCh38, 1-based): chr11:108,303,010, T>G. VCF-style: chr11-108303010-T-G. GRCh37 (hg19) VCF-style: chr11-108173737-T-G.
Other names: c.5477T>G, p.Leu1826Ter (NM_001351834.2); short protein forms L1826*.
Identifiers: ClinVar variation 4825516 (VCV004825516.1).
Genomic context (GRCh38, chr11:108,303,010, plus strand): 5'-TAAAGACACTGACTTGTGCTTTTTTGGACAGTGGAGGCACAAAATGTGAAATTCTTCAAT[T>G]ATTAAAGCCAATGTGTGAAGTAAGAAGATTAATTAGTCTGATATAATTCCTTGTTTATGA-3'

ClinVar aggregate classification (germline): Pathogenic (1 of 4 stars; one submission).

Conditions:
Hereditary cancer-predisposing syndrome. Also called: Neoplastic Syndromes, Hereditary; Tumor predisposition; Hereditary Cancer Syndrome; Hereditary neoplastic syndrome. Identifiers: Orphanet 140162, MedGen C0027672, MeSH D009386, MONDO:0015356.

Submission:

Ambry Genetics
Classification: Pathogenic for Hereditary cancer-predisposing syndrome. Last evaluated: 2026-02-04. Review status: criteria provided, single submitter. Criteria: Ambry Variant Classification Scheme 2023. Collection method: clinical testing. Allele origin: germline.
Comment: The p.L1826* pathogenic mutation (also known as c.5477T>G), located in coding exon 35 of the ATM gene, results from a T to G substitution at nucleotide position 5477. This changes the amino acid from a leucine to a stop codon within coding exon 35. This variant is considered to be rare based on population cohorts in the Genome Aggregation Database (gnomAD). This alteration is expected to result in loss of function by premature protein truncation or nonsense-mediated mRNA decay. As such, this alteration is interpreted as a disease-causing mutation.